The following is an entry in ClinVar:

ClinVar aggregate classification (germline): Benign/Likely benign. Review status: criteria provided, multiple submitters, no conflicts (2 of 4 stars). 3 submissions from 3 submitters: Benign (1); Likely benign (2). Last evaluated 2026-08-01.

Allele frequency attached by ClinVar (database versions not stated): gnomAD exomes 0.00015 and 0.00030; ESP Exome Variant Server 0.00023; gnomAD 0.00024 and 0.00025; ExAC 0.00029; TOPMed 0.00030.
gnomAD v4.1: 290 of 1,613,706 alleles (0.018%); highest among the groups gnomAD compares: Admixed American, 0.037%; 1 homozygote.

Submissions (3):

CeGaT Center for Human Genetics Tuebingen
Classification: Likely benign. Last evaluated: 2026-08-01. Review status: criteria provided, single submitter. Criteria: CeGaT Center For Human Genetics Tuebingen Variant Classification Criteria Version 2. Collection method: clinical testing. Allele origin: germline. Affected: yes. Observed: 2 variant alleles.
Comment: FAT4: BP4, BP7

Labcorp Genetics (formerly Invitae), Labcorp
Classification: Benign. Last evaluated: 2026-01-19. Review status: criteria provided, single submitter. Criteria: Invitae Variant Classification Sherloc (09022015). Collection method: clinical testing. Allele origin: germline.

Blueprint Genetics
Classification: Likely benign. Last evaluated: 2024-11-11. Review status: criteria provided, single submitter. Criteria: ACMG Guidelines, 2015. Collection method: clinical testing. Allele origin: germline.

NM_001291303.3(FAT4):c.13029T>C (p.Leu4343=)

Gene: FAT4 (FAT atypical cadherin 4; plus strand). Cytogenetic location: 4q28.1.
Variant type: single nucleotide variant.
Coding change: c.13029T>C on transcript NM_001291303.3 (MANE Select); coding-DNA position 13029, T replaced by C.
Protein change: p.Leu4343=; no amino-acid change (leucine 4343 retained).
Molecular consequence: synonymous variant.
Genome position (GRCh38, 1-based): chr4:125,487,551, T>C. VCF-style: chr4-125487551-T-C. GRCh37 (hg19) VCF-style: chr4-126408706-T-C.
Other names: c.13029T>C, p.Leu4343= (NM_001291285.3); c.13023T>C, p.Leu4341= (NM_024582.6).
Identifiers: ClinVar variation 737263 (VCV000737263.32), dbSNP rs146822665, ClinGen allele CA3074242.